The following is an entry in ClinVar:

ClinVar aggregate classification (germline): Conflicting classifications of pathogenicity. Review status: criteria provided, conflicting classifications (1 of 4 stars). 13 submissions from 12 submitters: Uncertain significance (2); Benign (1); Likely benign (8). 2 of the submissions do not count toward it. Last evaluated 2026-02-03.

Conditions:
SETX-related disorder. Also called: SETX-related condition; SETX-related disorders. Identifiers: MedGen CN239403.
Inborn genetic diseases. Identifiers: MedGen C0950123, MeSH D030342.
Spinocerebellar ataxia, autosomal recessive, with axonal neuropathy 2 (SCAN2). Also called: Ataxia with Oculomotor Apraxia Type 2; ATAXIA-OCULOMOTOR APRAXIA 2; Ataxia with Oculomotor Apraxia; Ataxia-ocular apraxia-2. Identifiers: Orphanet 64753, MedGen C1853761, MONDO:0018996, OMIM 606002.
Amyotrophic lateral sclerosis type 4 (ALS4). Also called: NEURONOPATHY, DISTAL HEREDITARY MOTOR, WITH PYRAMIDAL FEATURES; AMYOTROPHIC LATERAL SCLEROSIS 4, JUVENILE. Identifiers: Orphanet 357043, MedGen C1865409, MONDO:0011223, OMIM 602433.
Hereditary spastic paraplegia. Also called: Familial spastic paraparesis. Identifiers: Orphanet 685, MedGen C0037773, MONDO:0019064. Disease mechanism: loss of function.
Amyotrophic lateral sclerosis (ALS). Also called: Lou Gehrig disease; Charcot disease. Identifiers: Orphanet 803, MedGen C0002736, MONDO:0004976, HP:0007354.

Allele frequency attached by ClinVar (database versions not stated): ESP Exome Variant Server 0.00069; 1000 Genomes Project 30x 0.00078; 1000 Genomes Project 0.00080; gnomAD 0.00105 and 0.00108; ExAC 0.00110; TOPMed 0.00112; gnomAD exomes 0.00116 and 0.00125.
gnomAD v4.1: 1,866 of 1,614,032 alleles (0.12%); highest among the groups gnomAD compares: Middle Eastern, 1.6%; 9 homozygotes.

Submissions (13):

Labcorp Genetics (formerly Invitae), Labcorp
Classification: Likely benign for Amyotrophic lateral sclerosis type 4; Spinocerebellar ataxia, autosomal recessive, with axonal neuropathy 2. Last evaluated: 2026-02-03. Review status: criteria provided, single submitter. Criteria: Invitae Variant Classification Sherloc (09022015). Collection method: clinical testing. Allele origin: germline.

Mayo Clinic Laboratories, Mayo Clinic
Classification: Likely benign. Last evaluated: 2025-06-27. Review status: criteria provided, single submitter. Criteria: ACMG Guidelines, 2015. Collection method: clinical testing. Allele origin: germline. Observed: 6 variant alleles.
Comment: BS1, BS2

CeGaT Center for Human Genetics Tuebingen
Classification: Likely benign. Last evaluated: 2025-04-01. Review status: criteria provided, single submitter. Criteria: CeGaT Center For Human Genetics Tuebingen Variant Classification Criteria Version 2. Collection method: clinical testing. Allele origin: germline. Affected: yes. Observed: 11 variant alleles.
Comment: SETX: BS2

Blueprint Genetics
Classification: Likely benign. Last evaluated: 2024-11-18. Review status: criteria provided, single submitter. Criteria: ACMG Guidelines, 2015. Collection method: clinical testing. Allele origin: germline.

Athena Diagnostics
Classification: Benign. Last evaluated: 2024-07-31. Review status: criteria provided, single submitter. Criteria: Athena Diagnostics Criteria. Collection method: clinical testing. Allele origin: unknown.

ARUP Laboratories, Molecular Genetics and Genomics, ARUP Laboratories
Classification: Likely benign. Last evaluated: 2024-05-31. Review status: criteria provided, single submitter. Criteria: ARUP Molecular Germline Variant Investigation Process 2024. Collection method: clinical testing. Allele origin: germline.

Ambry Genetics
Classification: Likely benign for Inborn genetic diseases. Last evaluated: 2021-11-18. Review status: criteria provided, single submitter. Criteria: Ambry Variant Classification Scheme 2023. Collection method: clinical testing. Allele origin: germline.

GeneDx
Classification: Likely benign. Last evaluated: 2020-03-26. Review status: criteria provided, single submitter. Criteria: GeneDx Variant Classification Process June 2021. Collection method: clinical testing. Allele origin: germline. Affected: yes.
Comment: This variant is associated with the following publications: (PMID: 32253937, 18058631, 23129421, 23881933, 28832565, 32028661, 29525178, 27790088)

Illumina Laboratory Services, Illumina
Classification: Uncertain significance for Spinocerebellar ataxia, autosomal recessive, with axonal neuropathy 2. Last evaluated: 2018-01-13. Review status: criteria provided, single submitter. Criteria: ICSL Variant Classification Criteria 13 December 2019. Collection method: clinical testing. Allele origin: germline.

Illumina Laboratory Services, Illumina
Classification: Likely benign for Amyotrophic lateral sclerosis type 4. Last evaluated: 2018-01-13. Review status: criteria provided, single submitter. Criteria: ICSL Variant Classification Criteria 13 December 2019. Collection method: clinical testing. Allele origin: germline.
Comment: This variant was observed in the ICSL laboratory as part of a predisposition screen in an ostensibly healthy population. It had not been previously curated by ICSL or reported in the Human Gene Mutation Database (HGMD: prior to June 1st, 2018), and was therefore a candidate for classification through an automated scoring system. Utilizing variant allele frequency, disease prevalence and penetrance estimates, and inheritance mode, an automated score was calculated to assess if this variant is too frequent to cause the disease. Based on the score and internal cut-off values, a variant classified as likely benign is not then subjected to further curation. The score for this variant resulted in a classification of likely benign for this disease.

Unit for Genetic & Epidemiological Research on Neurological Disorders, Instituto de Investigação e Inovação em Saúde
Classification: Uncertain significance for Hereditary spastic paraplegia. Last evaluated: 2017-03-07. Review status: criteria provided, single submitter. Criteria: Morais et al. (Eur J Hum Genet. 2017). Collection method: research. Allele origin: unknown. Affected: yes.

PreventionGenetics, part of Exact Sciences
Classification: Likely benign for SETX-related condition. Last evaluated: 2020-12-03. Review status: no assertion criteria provided. Collection method: clinical testing. Allele origin: germline. Not counted in ClinVar's aggregate classification.
Comment: This variant is classified as likely benign based on ACMG/AMP sequence variant interpretation guidelines (Richards et al. 2015 PMID: 25741868, with internal and published modifications).

UM ALS/MND Lab, University Of Malta
Classification: Likely pathogenic for Amyotrophic lateral sclerosis. Review status: no assertion criteria provided. Collection method: research. Allele origin: unknown. Inheritance: Sporadic. Affected: yes. Observed: 1 heterozygote. Not counted in ClinVar's aggregate classification.

Literature cited by the submitters: PubMed 36549973 (cited by Mayo Clinic Laboratories, Mayo Clinic and Athena Diagnostics); PubMed 38137339 (cited by Mayo Clinic Laboratories, Mayo Clinic and Athena Diagnostics); PubMed 18058631 (cited by Athena Diagnostics); PubMed 27790088 (cited by Athena Diagnostics); PubMed 23881933 (cited by Athena Diagnostics); PubMed 32253937 (cited by Athena Diagnostics); PubMed 28832565 (cited by Athena Diagnostics); PubMed 23129421 (cited by Athena Diagnostics).

NM_015046.7(SETX):c.3229G>A (p.Asp1077Asn)

Gene: SETX (senataxin; minus strand). Cytogenetic location: 9q34.13.
Variant type: single nucleotide variant.
Coding change: c.3229G>A on transcript NM_015046.7 (MANE Select); coding-DNA position 3229, G replaced by A.
Protein change: p.Asp1077Asn; replaces aspartic acid 1077 with asparagine.
Molecular consequence: missense variant.
Genome position (GRCh38, 1-based): chr9:132,328,369, C>T on the plus strand (G>A on the coding strand, the complement: SETX is on the minus strand). VCF-style: chr9-132328369-C-T. GRCh37 (hg19) VCF-style: chr9-135203756-C-T.
Other names: c.3229G>A, p.Asp1077Asn (NM_001351527.2, NM_001351528.2); short protein forms D1077N.
Identifiers: ClinVar variation 424687 (VCV000424687.125), dbSNP rs145097270, ClinGen allele CA5297445.